The following is an entry in ClinVar:

NM_000321.3(RB1):c.-108T>C

Gene: RB1 (RB transcriptional corepressor 1; plus strand). Cytogenetic location: 13q14.2.
Variant type: single nucleotide variant.
Coding change: c.-108T>C on transcript NM_000321.3 (MANE Select); 108 bases upstream of the start codon, T replaced by C.
Molecular consequence: 5 prime UTR variant.
Genome position (GRCh38, 1-based): chr13:48,303,805, T>C. VCF-style: chr13-48303805-T-C. GRCh37 (hg19) VCF-style: chr13-48877941-T-C.
Other names: c.-108T>C (NM_001407165.1, NM_001407166.1, NM_001407167.1).
Identifiers: ClinVar variation 3703592 (VCV003703592.2).

ClinVar aggregate classification (germline): Uncertain significance (1 of 4 stars; one submission).

Conditions:
Retinoblastoma (RB1). Also called: RETINOBLASTOMA, SOMATIC. Identifiers: Orphanet 790, MedGen C0035335, MeSH D012175, MONDO:0008380, OMIM 180200, HP:0009919. Disease mechanism: loss of function. Inheritance: Both sporadic and heritable forms are tested..

gnomAD v4.1: 4 of 1,435,094 alleles (0.00028%); highest among the groups gnomAD compares: African/African-American, 0.006%; no homozygotes.

Submission:

Labcorp Genetics (formerly Invitae), Labcorp
Classification: Uncertain significance for Retinoblastoma. Last evaluated: 2024-12-11. Review status: criteria provided, single submitter. Criteria: Invitae Variant Classification Sherloc (09022015). Collection method: clinical testing. Allele origin: germline.
Comment: This variant occurs in a non-coding region of the RB1 gene. It does not change the encoded amino acid sequence of the RB1 protein. This variant is not present in population databases (gnomAD no frequency). This variant has not been reported in the literature in individuals affected with RB1-related conditions. In summary, the available evidence is currently insufficient to determine the role of this variant in disease. Therefore, it has been classified as a Variant of Uncertain Significance.